The following is an entry in ClinVar:

NM_182961.4(SYNE1):c.5018G>C (p.Arg1673Pro)

Gene: SYNE1 (spectrin repeat containing nuclear envelope protein 1; minus strand). Cytogenetic location: 6q25.2.
Variant type: single nucleotide variant.
Coding change: c.5018G>C on transcript NM_182961.4 (MANE Select); coding-DNA position 5018, G replaced by C.
Protein change: p.Arg1673Pro; replaces arginine 1673 with proline.
Molecular consequence: missense variant.
Genome position (GRCh38, 1-based): chr6:152,427,775, C>G on the plus strand (G>C on the coding strand, the complement: SYNE1 is on the minus strand). VCF-style: chr6-152427775-C-G. GRCh37 (hg19) VCF-style: chr6-152748910-C-G.
Other names: c.5039G>C, p.Arg1680Pro (NM_033071.5); short protein forms R1673P, R1680P.
Identifiers: ClinVar variation 1365725 (VCV001365725.8), dbSNP rs749115727, ClinGen allele CA4058393.

ClinVar aggregate classification (germline): Uncertain significance (1 of 4 stars; one submission).

Conditions:
Emery-Dreifuss muscular dystrophy 4, autosomal dominant (EDMD4). Also called: EMERY-DREIFUSS MUSCULAR DYSTROPHY 4 WITH VARIABLE FEATURES. Identifiers: Orphanet 261, MedGen C2751807, MONDO:0013071, OMIM 612998.
Autosomal recessive ataxia, Beauce type. Also called: SYNE1-Related Autosomal Recessive Cerebellar Ataxia; Spinocerebellar ataxia, autosomal recessive 8; ATAXIA, RECESSIVE, OF BEAUCE; SYNE1 Deficiency. Identifiers: Orphanet 88644, MedGen C1853116, MONDO:0012549, OMIM 610743.

gnomAD v4.1: 4 of 1,614,088 alleles (0.00025%); highest among the groups gnomAD compares: Non-Finnish European, 0.00034%; no homozygotes.

Submission:

Labcorp Genetics (formerly Invitae), Labcorp
Classification: Uncertain significance for Emery-Dreifuss muscular dystrophy 4, autosomal dominant; Autosomal recessive ataxia, Beauce type. Last evaluated: 2023-12-11. Review status: criteria provided, single submitter. Criteria: Invitae Variant Classification Sherloc (09022015). Collection method: clinical testing. Allele origin: germline.
Comment: This sequence change replaces arginine, which is basic and polar, with proline, which is neutral and non-polar, at codon 1680 of the SYNE1 protein (p.Arg1680Pro). This variant is present in population databases (rs749115727, gnomAD 0.0009%). This variant has not been reported in the literature in individuals affected with SYNE1-related conditions. ClinVar contains an entry for this variant (Variation ID: 1365725). An algorithm developed to predict the effect of missense changes on protein structure and function (PolyPhen-2) suggests that this variant is likely to be disruptive. In summary, the available evidence is currently insufficient to determine the role of this variant in disease. Therefore, it has been classified as a Variant of Uncertain Significance.